The following is an entry in ClinVar:

NM_001035.3(RYR2):c.9269T>C (p.Val3090Ala)

Gene: RYR2 (ryanodine receptor 2; plus strand). Cytogenetic location: 1q43.
Variant type: single nucleotide variant.
Coding change: c.9269T>C on transcript NM_001035.3 (MANE Select); coding-DNA position 9269, T replaced by C.
Protein change: p.Val3090Ala; replaces valine 3090 with alanine.
Molecular consequence: missense variant.
Genome position (GRCh38, 1-based): chr1:237,700,369, T>C. VCF-style: chr1-237700369-T-C. GRCh37 (hg19) VCF-style: chr1-237863669-T-C.
Other names: short protein forms V3090A.
Identifiers: ClinVar variation 3069505 (VCV003069505.4), dbSNP rs2547365365, ClinGen allele CA345406018.

ClinVar aggregate classification (germline): Uncertain significance. Review status: criteria provided, multiple submitters, no conflicts (2 of 4 stars). 3 submissions from 3 submitters: Uncertain significance (3). Last evaluated 2025-06-29.

Conditions:
Catecholaminergic polymorphic ventricular tachycardia (CVPT). Also called: Catecholamine-induced polymorphic ventricular tachycardia. Identifiers: Orphanet 3286, MedGen C5574922, MONDO:0017990.
Cardiomyopathy (CMYO). Also called: Cardiomyopathies. Identifiers: Orphanet 167848, MedGen C0878544, MONDO:0004994, HP:0001638. Inheritance: Various modes of inheritance.
Catecholaminergic polymorphic ventricular tachycardia 1. Also called: RYR2-Related Catecholaminergic Polymorphic Ventricular Tachycardia; VENTRICULAR TACHYCARDIA, STRESS-INDUCED POLYMORPHIC 1; VENTRICULAR TACHYCARDIA, CATECHOLAMINERGIC POLYMORPHIC, 1, WITH OR WITHOUT ATRIAL DYSFUNCTION AND/OR DILATED CARDIOMYOPATHY. Identifiers: Orphanet 3286, MedGen C1631597, MONDO:0011484, OMIM 604772.

Allele frequency attached by ClinVar (database versions not stated): gnomAD exomes below 0.00001.
gnomAD v4.1: 4 of 1,605,934 alleles (0.00025%); highest among the groups gnomAD compares: Non-Finnish European, 0.00034%; no homozygotes.

Submissions (3):

Color Diagnostics, LLC DBA Color Health
Classification: Uncertain significance for Cardiomyopathy. Last evaluated: 2025-06-29. Review status: criteria provided, single submitter. Criteria: ACMG Guidelines, 2015. Collection method: clinical testing. Allele origin: germline.
Comment: This missense variant replaces valine with alanine at codon 3090 of the RYR2 protein. Computational prediction suggests that this variant may not impact protein structure and function. To our knowledge, functional studies have not been reported for this variant. This variant has not been reported in individuals affected with RYR2-related disorders in the literature. This variant has not been identified in the general population by the Genome Aggregation Database (gnomAD). The available evidence is insufficient to determine the role of this variant in disease conclusively. Therefore, this variant is classified as a Variant of Uncertain Significance.

Labcorp Genetics (formerly Invitae), Labcorp
Classification: Uncertain significance for Catecholaminergic polymorphic ventricular tachycardia 1. Last evaluated: 2024-08-01. Review status: criteria provided, single submitter. Criteria: Invitae Variant Classification Sherloc (09022015). Collection method: clinical testing. Allele origin: germline.
Comment: This sequence change replaces valine, which is neutral and non-polar, with alanine, which is neutral and non-polar, at codon 3090 of the RYR2 protein (p.Val3090Ala). This variant is not present in population databases (gnomAD no frequency). This variant has not been reported in the literature in individuals affected with RYR2-related conditions. Advanced modeling of protein sequence and biophysical properties (such as structural, functional, and spatial information, amino acid conservation, physicochemical variation, residue mobility, and thermodynamic stability) performed at Invitae indicates that this missense variant is not expected to disrupt RYR2 protein function with a negative predictive value of 95%. In summary, the available evidence is currently insufficient to determine the role of this variant in disease. Therefore, it has been classified as a Variant of Uncertain Significance.

All of Us Research Program, National Institutes of Health
Classification: Uncertain significance for Catecholaminergic polymorphic ventricular tachycardia. Last evaluated: 2023-02-24. Review status: criteria provided, single submitter. Criteria: ACMG Guidelines, 2015. Collection method: clinical testing. Allele origin: germline. Inheritance: Autosomal dominant inheritance. Observed: 1 variant allele, 1 heterozygote.
Comment: This missense variant replaces valine with alanine at codon 3090 of the RYR2 protein. Computational prediction suggests that this variant may not impact protein structure and function (internally defined REVEL score threshold <= 0.5, PMID: 27666373). To our knowledge, functional studies have not been reported for this variant. This variant has not been reported in individuals affected with RYR2-related disorders in the literature. This variant has not been identified in the general population by the Genome Aggregation Database (gnomAD). The available evidence is insufficient to determine the role of this variant in disease conclusively. Therefore, this variant is classified as a Variant of Uncertain Significance.

This study involves interpretation of variants in research participants for the purpose of population health screening. Participant phenotype was not available at the time of variant classification. Additional details can be found in publication PMID: 35346344, PMCID: PMC8962531